The following is an entry in ClinVar:

NM_004360.5(CDH1):c.2429T>G (p.Phe810Cys)

Gene: CDH1 (cadherin 1; plus strand). Cytogenetic location: 16q22.1.
Variant type: single nucleotide variant.
Coding change: c.2429T>G on transcript NM_004360.5 (MANE Select); coding-DNA position 2429, T replaced by G.
Protein change: p.Phe810Cys; replaces phenylalanine 810 with cysteine.
Molecular consequence: missense variant.
Genome position (GRCh38, 1-based): chr16:68,829,787, T>G. VCF-style: chr16-68829787-T-G. GRCh37 (hg19) VCF-style: chr16-68863690-T-G.
Other names: c.2246T>G, p.Phe749Cys (NM_001317184.2); c.881T>G, p.Phe294Cys (NM_001317185.2); c.464T>G, p.Phe155Cys (NM_001317186.2); short protein forms F155C, F294C, F749C, F810C.
Identifiers: ClinVar variation 928061 (VCV000928061.11), dbSNP rs1236811420, ClinGen allele CA396471352.
Genomic context (GRCh38, chr16:68,829,787, plus strand): 5'-CCCTCATGAGTGTCCCCCGGTATCTTCCCCGCCCTGCCAATCCCGATGAAATTGGAAATT[T>G]TATTGATGAAGTAAGTAATCCACGTGGAAAGCCAAAGCATGGCTCATCTCTAAGCTCAGG-3'
Protein context (NP_004351.1, residues 800-820): RPANPDEIGN[Phe810Cys]IDENLKAADT

ClinVar aggregate classification (germline): Uncertain significance. Review status: criteria provided, multiple submitters, no conflicts (2 of 4 stars). 3 submissions from 3 submitters: Uncertain significance (3). Last evaluated 2025-06-10.

Conditions:
Hereditary cancer-predisposing syndrome. Also called: Tumor predisposition; Hereditary neoplastic syndrome; Neoplastic Syndromes, Hereditary; Hereditary Cancer Syndrome. Identifiers: Orphanet 140162, MedGen C0027672, MeSH D009386, MONDO:0015356.
Hereditary diffuse gastric adenocarcinoma (HDGC). Also called: DIFFUSE GASTRIC AND LOBULAR BREAST CANCER SYNDROME. Identifiers: Orphanet 26106, MedGen C1708349, MONDO:0007648, OMIM 137215.

Allele frequency attached by ClinVar (database versions not stated): gnomAD exomes below 0.00001; TOPMed 0.00001.
gnomAD v4.1: 2 of 1,613,978 alleles (0.00012%); no homozygotes.

Submissions (3):

Ambry Genetics
Classification: Uncertain significance for Hereditary cancer-predisposing syndrome. Last evaluated: 2025-06-10. Review status: criteria provided, single submitter. Criteria: Ambry Variant Classification Scheme 2023. Collection method: clinical testing. Allele origin: germline.
Comment: The p.F810C variant (also known as c.2429T>G), located in coding exon 15 of the CDH1 gene, results from a T to G substitution at nucleotide position 2429. The phenylalanine at codon 810 is replaced by cysteine, an amino acid with highly dissimilar properties. This amino acid position is highly conserved in available vertebrate species. In addition, this alteration is predicted to be deleterious by in silico analysis. Based on the available evidence, the clinical significance of this variant remains unclear.

Labcorp Genetics (formerly Invitae), Labcorp
Classification: Uncertain significance for Hereditary diffuse gastric adenocarcinoma. Last evaluated: 2022-02-07. Review status: criteria provided, single submitter. Criteria: Invitae Variant Classification Sherloc (09022015). Collection method: clinical testing. Allele origin: germline.
Comment: This sequence change replaces phenylalanine, which is neutral and non-polar, with cysteine, which is neutral and slightly polar, at codon 810 of the CDH1 protein (p.Phe810Cys). This variant is not present in population databases (gnomAD no frequency). This variant has not been reported in the literature in individuals affected with CDH1-related conditions. ClinVar contains an entry for this variant (Variation ID: 928061). Algorithms developed to predict the effect of missense changes on protein structure and function are either unavailable or do not agree on the potential impact of this missense change (SIFT: "Deleterious"; PolyPhen-2: "Probably Damaging"; Align-GVGD: "Class C0"). In summary, the available evidence is currently insufficient to determine the role of this variant in disease. Therefore, it has been classified as a Variant of Uncertain Significance.

Color Diagnostics, LLC DBA Color Health
Classification: Uncertain significance for Hereditary cancer-predisposing syndrome. Last evaluated: 2020-06-25. Review status: criteria provided, single submitter. Criteria: ACMG Guidelines, 2015. Collection method: clinical testing. Allele origin: germline.
Comment: This missense variant replaces phenylalanine with cysteine at codon 810 of the CDH1 protein. Computational prediction tools and conservation analyses suggest that this variant may have deleterious impact on the protein function. Computational splicing tools suggest that this variant may not impact RNA splicing. To our knowledge, functional assays have not been performed for this variant nor has this variant been reported in individuals affected with hereditary cancer in the literature. This variant has not been identified in the general population by the Genome Aggregation Database (gnomAD). Available evidence is insufficient to determine the role of this variant in disease conclusively. Therefore, this variant is classified as a Variant of Uncertain Significance.